The following is an entry in ClinVar:

ClinVar aggregate classification (germline): Uncertain significance. Review status: criteria provided, multiple submitters, no conflicts (2 of 4 stars). 2 submissions from 2 submitters: Uncertain significance (2). Last evaluated 2026-03-19.

Conditions:
Inborn genetic diseases. Identifiers: MedGen C0950123, MeSH D030342.

Allele frequency attached by ClinVar (database versions not stated): ESP Exome Variant Server 0.00008.
gnomAD v4.1: 9 of 1,614,062 alleles (0.00056%); highest among the groups gnomAD compares: South Asian, 0.0055%; no homozygotes.

Submissions (2):

Ambry Genetics
Classification: Uncertain significance for Inborn genetic diseases. Last evaluated: 2026-03-19. Review status: criteria provided, single submitter. Criteria: Ambry Variant Classification Scheme 2023. Collection method: clinical testing. Allele origin: germline.
Comment: The c.982G>T (p.A328S) alteration is located in exon 10 (coding exon 9) of the RAD51 gene. This alteration results from a G to T substitution at nucleotide position 982, causing the alanine (A) at amino acid position 328 to be replaced by a serine (S). Based on data from gnomAD, the T allele has an overall frequency of 0.001% (3/251488) total alleles studied. The highest observed frequency was 0.003% (1/30616) of South Asian alleles. Based on insufficient or conflicting evidence, the clinical significance of this alteration remains unclear.

Labcorp Genetics (formerly Invitae), Labcorp
Classification: Uncertain significance. Last evaluated: 2023-10-23. Review status: criteria provided, single submitter. Criteria: Invitae Variant Classification Sherloc (09022015). Collection method: clinical testing. Allele origin: germline.
Comment: This sequence change replaces alanine, which is neutral and non-polar, with serine, which is neutral and polar, at codon 328 of the RAD51 protein (p.Ala328Ser). This variant is present in population databases (rs367685211, gnomAD 0.003%). This variant has not been reported in the literature in individuals affected with RAD51-related conditions. ClinVar contains an entry for this variant (Variation ID: 1768343). Advanced modeling of protein sequence and biophysical properties (such as structural, functional, and spatial information, amino acid conservation, physicochemical variation, residue mobility, and thermodynamic stability) performed at Invitae indicates that this missense variant is not expected to disrupt RAD51 protein function with a negative predictive value of 80%. Algorithms developed to predict the effect of sequence changes on RNA splicing suggest that this variant may create or strengthen a splice site. In summary, the available evidence is currently insufficient to determine the role of this variant in disease. Therefore, it has been classified as a Variant of Uncertain Significance.

NM_002875.5(RAD51):c.982G>T (p.Ala328Ser)

Gene: RAD51 (RAD51 recombinase; plus strand). Cytogenetic location: 15q15.1.
Variant type: single nucleotide variant.
Coding change: c.982G>T on transcript NM_002875.5 (MANE Select); coding-DNA position 982, G replaced by T.
Protein change: p.Ala328Ser; replaces alanine 328 with serine.
Molecular consequence: missense variant. On other transcripts: 3 prime UTR variant (1).
Genome position (GRCh38, 1-based): chr15:40,731,140, G>T. VCF-style: chr15-40731140-G-T. GRCh37 (hg19) VCF-style: chr15-41023338-G-T.
Other names: c.985G>T, p.Ala329Ser (NM_001164269.2, NM_133487.4); c.*17G>T (NM_001164270.2); short protein forms A329S, A328S.
Identifiers: ClinVar variation 1768343 (VCV001768343.7), dbSNP rs367685211, ClinGen allele CA7484160.